The following is an entry in ClinVar:

ClinVar aggregate classification (germline): Uncertain significance (1 of 4 stars; one submission).

Conditions:
Inborn genetic diseases. Identifiers: MedGen C0950123, MeSH D030342.

Submission:

Ambry Genetics
Classification: Uncertain significance for Inborn genetic diseases. Last evaluated: 2025-01-24. Review status: criteria provided, single submitter. Criteria: Ambry Variant Classification Scheme 2023. Collection method: clinical testing. Allele origin: germline.
Comment: The p.L755F variant (also known as c.2263C>T), located in coding exon 19 of the KDM1A gene, results from a C to T substitution at nucleotide position 2263. The leucine at codon 755 is replaced by phenylalanine, an amino acid with highly similar properties. This amino acid position is conserved. In addition, this alteration is predicted to be deleterious by in silico analysis. Based on the available evidence, the clinical significance of this variant remains unclear.

NM_001009999.3(KDM1A):c.2263C>T (p.Leu755Phe)

Gene: KDM1A (lysine demethylase 1A; plus strand). Cytogenetic location: 1p36.12.
Variant type: single nucleotide variant.
Coding change: c.2263C>T on transcript NM_001009999.3 (MANE Select); coding-DNA position 2263, C replaced by T.
Protein change: p.Leu755Phe; replaces leucine 755 with phenylalanine.
Molecular consequence: missense variant.
Genome position (GRCh38, 1-based): chr1:23,081,538, C>T. VCF-style: chr1-23081538-C-T. GRCh37 (hg19) VCF-style: chr1-23408031-C-T.
Other names: c.2209C>T, p.Leu737Phe (NM_001363654.2); c.2269C>T, p.Leu757Phe (NM_001410762.1); c.2191C>T, p.Leu731Phe (NM_001410763.1, NM_015013.4); short protein forms L757F, L737F, L731F, L755F.
Identifiers: ClinVar variation 3863290 (VCV003863290.1).
Genomic context (GRCh38, chr1:23,081,538, plus strand): 5'-GCTGCTGGTATCATGGAAAACATAAGTGACGATGTGATTGTTGGCCGATGCCTGGCCATT[C>T]TCAAAGGGATTTTTGGTAGCAGTGCAGTACCTCAGGTAAGTAGGTAGGTGGGGCAAGGAG-3'
Protein context (NP_001009999.1, residues 745-765): DVIVGRCLAI[Leu755Phe]KGIFGSSAVP